The following is an entry in ClinVar:

NM_001103.4(ACTN2):c.361+16G>A

Gene: ACTN2 (actinin alpha 2; plus strand). Cytogenetic location: 1q43.
Variant type: single nucleotide variant.
Coding change: c.361+16G>A on transcript NM_001103.4 (MANE Select); 16 bases into the intron after coding-DNA position 361, G replaced by A.
Molecular consequence: intron variant.
Genome position (GRCh38, 1-based): chr1:236,719,029, G>A. VCF-style: chr1-236719029-G-A. GRCh37 (hg19) VCF-style: chr1-236882329-G-A.
Other names: c.-461+16G>A (NM_001278344.2); c.361+16G>A (NM_001278343.2).
Identifiers: ClinVar variation 1955213 (VCV001955213.5), dbSNP rs1208439912, ClinGen allele CA529520825.
Genomic context (GRCh38, chr1:236,719,029, plus strand): 5'-ACATAGCCAGCAAAGGGGTGAAACTGGTGTCCATTGGCGCTGAAGGTGAGAGGTGTGGTG[G>A]GTGGTCCTGTCTGCCACACTGACCTAATAGCGTAGGTGTGGGCTGCGACTTGAATTCTCC-3'

ClinVar aggregate classification (germline): Uncertain significance (1 of 4 stars; one submission).

Conditions:
Dilated cardiomyopathy 1AA (CMD1AA). Also called: Cardiomyopathy, dilated, 1AA, with or without LVNC; CARDIOMYOPATHY, DILATED, 1AA, WITH OR WITHOUT LEFT VENTRICULAR NONCOMPACTION; CARDIOMYOPATHY, FAMILIAL HYPERTROPHIC, 23, WITH OR WITHOUT LEFT VENTRICULAR NONCOMPACTION. Identifiers: Orphanet 154, MedGen C2677338, MONDO:0012808, OMIM 612158.
Primary familial hypertrophic cardiomyopathy (HCM). Identifiers: Orphanet 99739, MedGen C0949658, MeSH D024741, MONDO:0024573. Inheritance: Various modes of inheritance.

Allele frequency attached by ClinVar (database versions not stated): gnomAD exomes below 0.00001.
gnomAD v4.1: 2 of 1,613,648 alleles (0.00012%); highest among the groups gnomAD compares: Non-Finnish European, 0.00017%; no homozygotes.

Submission:

Labcorp Genetics (formerly Invitae), Labcorp
Classification: Uncertain significance for Primary familial hypertrophic cardiomyopathy; Dilated cardiomyopathy 1AA. Last evaluated: 2024-02-09. Review status: criteria provided, single submitter. Criteria: Invitae Variant Classification Sherloc (09022015). Collection method: clinical testing. Allele origin: germline.
Comment: This sequence change falls in intron 3 of the ACTN2 gene. It does not directly change the encoded amino acid sequence of the ACTN2 protein. This variant is not present in population databases (gnomAD no frequency). This variant has not been reported in the literature in individuals affected with ACTN2-related conditions. ClinVar contains an entry for this variant (Variation ID: 1955213). Algorithms developed to predict the effect of sequence changes on RNA splicing suggest that this variant may create or strengthen a splice site. In summary, the available evidence is currently insufficient to determine the role of this variant in disease. Therefore, it has been classified as a Variant of Uncertain Significance.